The following is an entry in ClinVar:

NM_006096.4(NDRG1):c.950C>T (p.Ser317Leu)

Gene: NDRG1 (N-myc downstream regulated 1; minus strand). Cytogenetic location: 8q24.22.
Variant type: single nucleotide variant.
Coding change: c.950C>T on transcript NM_006096.4 (MANE Select); coding-DNA position 950, C replaced by T.
Protein change: p.Ser317Leu; replaces serine 317 with leucine.
Molecular consequence: missense variant.
Genome position (GRCh38, 1-based): chr8:133,239,113, G>A on the plus strand (C>T on the coding strand, the complement: NDRG1 is on the minus strand). VCF-style: chr8-133239113-G-A. GRCh37 (hg19) VCF-style: chr8-134251356-G-A.
Other names: c.950C>T, p.Ser317Leu (NM_001135242.2, NM_001374845.1, NM_001374846.1); c.752C>T, p.Ser251Leu (NM_001258432.2, NM_001374847.1); c.707C>T, p.Ser236Leu (NM_001258433.2); c.1001C>T, p.Ser334Leu (NM_001374844.1); short protein forms S317L, S236L, S251L, S334L.
Identifiers: ClinVar variation 573026 (VCV000573026.9), dbSNP rs904186690, ClinGen allele CA186362859.
Genomic context (GRCh38, chr8:133,239,113, plus strand): 5'-AGAGAAGTGACGCTGGAACCAGAGGCTGTGCGGGACCGCATCAGGCGGGTCATGCTAGCC[G>A]AGGGCACTAGGGGAACAAGAGACAGCCGGTTAGAGGGCAGGAGACTGCCAGGTGAGGAGC-3'
Protein context (NP_006087.2, residues 307-327): YFVQGMGYMP[Ser317Leu]ASMTRLMRSR

ClinVar aggregate classification (germline): Uncertain significance. Review status: criteria provided, multiple submitters, no conflicts (2 of 4 stars). 3 submissions from 3 submitters: Uncertain significance (2). 1 of the submissions does not count toward it. Last evaluated 2024-12-31.

Conditions:
Charcot-Marie-Tooth disease type 4. Also called: Charcot-Marie-Tooth disease, type IV; Charcot-Marie-Tooth, Type 4. Identifiers: Orphanet 64749, MedGen C4082197, MONDO:0018995.
Charcot-Marie-Tooth disease type 4D. Also called: NEUROPATHY, HEREDITARY MOTOR AND SENSORY, LOM TYPE; Charcot-Marie-Tooth Neuropathy Type 4D; CHARCOT-MARIE-TOOTH DISEASE, DEMYELINATING, TYPE 4D; CHARCOT-MARIE-TOOTH DISEASE, DEMYELINATING, AUTOSOMAL RECESSIVE, TYPE 4D. Identifiers: Orphanet 99950, MedGen C1832334, MONDO:0011085, OMIM 601455.
Inborn genetic diseases. Identifiers: MedGen C0950123, MeSH D030342.

Allele frequency attached by ClinVar (database versions not stated): gnomAD 0.00001; gnomAD exomes 0.00001; TOPMed 0.00002.
gnomAD v4.1: 9 of 1,556,064 alleles (0.00058%); highest among the groups gnomAD compares: Admixed American, 0.0039%; no homozygotes.

Submissions (3):

Ambry Genetics
Classification: Uncertain significance for Inborn genetic diseases. Last evaluated: 2024-12-31. Review status: criteria provided, single submitter. Criteria: Ambry Variant Classification Scheme 2023. Collection method: clinical testing. Allele origin: germline.

Labcorp Genetics (formerly Invitae), Labcorp
Classification: Uncertain significance for Charcot-Marie-Tooth disease type 4. Last evaluated: 2021-09-01. Review status: criteria provided, single submitter. Criteria: Invitae Variant Classification Sherloc (09022015). Collection method: clinical testing. Allele origin: germline.
Comment: This sequence change replaces serine with leucine at codon 317 of the NDRG1 protein (p.Ser317Leu). The serine residue is moderately conserved and there is a large physicochemical difference between serine and leucine. This variant is not present in population databases (ExAC no frequency). This variant has not been reported in the literature in individuals affected with NDRG1-related conditions. Algorithms developed to predict the effect of missense changes on protein structure and function (SIFT, PolyPhen-2, Align-GVGD) all suggest that this variant is likely to be tolerated. In summary, the available evidence is currently insufficient to determine the role of this variant in disease. Therefore, it has been classified as a Variant of Uncertain Significance.

Natera, Inc.
Classification: Uncertain significance for Charcot-Marie-Tooth disease type 4D. Last evaluated: 2021-07-02. Review status: no assertion criteria provided. Collection method: clinical testing. Allele origin: germline. Not counted in ClinVar's aggregate classification.